The following is an entry in ClinVar:

NM_138773.4(SLC25A46):c.384+243G>A

Gene: SLC25A46 (solute carrier family 25 member 46; plus strand). Cytogenetic location: 5q22.1.
Variant type: single nucleotide variant.
Coding change: c.384+243G>A on transcript NM_138773.4 (MANE Select); 243 bases into the intron after coding-DNA position 384, G replaced by A.
Molecular consequence: intron variant.
Genome position (GRCh38, 1-based): chr5:110,744,030, G>A. VCF-style: chr5-110744030-G-A. GRCh37 (hg19) VCF-style: chr5-110079731-G-A.
Other names: c.111+243G>A (NM_001303250.3); c.384+243G>A (NM_001303249.3).
Identifiers: ClinVar variation 673164 (VCV000673164.1), dbSNP rs79684465, ClinGen allele CA125343076.

ClinVar aggregate classification (germline): Benign (1 of 4 stars; one submission).

Allele frequency attached by ClinVar (database versions not stated): 1000 Genomes Project 0.01198; 1000 Genomes Project 30x 0.01202; TOPMed 0.02373; gnomAD 0.02840 and 0.02911.
gnomAD v4.1: 4,299 of 152,198 alleles (2.8%); highest among the groups gnomAD compares: Non-Finnish European, 4.1%; 99 homozygotes.

Submission:

GeneDx
Classification: Benign. Last evaluated: 2018-06-14. Review status: criteria provided, single submitter. Criteria: GeneDx Variant Classification (06012015). Collection method: clinical testing. Allele origin: germline. Affected: yes.
Comment: This variant is considered likely benign or benign based on one or more of the following criteria: it is a conservative change, it occurs at a poorly conserved position in the protein, it is predicted to be benign by multiple in silico algorithms, and/or has population frequency not consistent with disease.